The following is an entry in ClinVar:

NM_000545.8(HNF1A):c.870C>T (p.Pro290=)

Gene: HNF1A (HNF1 homeobox A; plus strand). Cytogenetic location: 12q24.31.
Variant type: single nucleotide variant.
Coding change: c.870C>T on transcript NM_000545.8 (MANE Select); coding-DNA position 870, C replaced by T.
Protein change: p.Pro290=; no amino-acid change (proline 290 retained).
Molecular consequence: synonymous variant.
Genome position (GRCh38, 1-based): chr12:120,994,320, C>T. VCF-style: chr12-120994320-C-T. GRCh37 (hg19) VCF-style: chr12-121432123-C-T.
Other names: NM_000545.8(HNF1A):c.870C>T; p.Pro290=; c.870C>T, p.Pro290= (NM_001306179.2).
Identifiers: ClinVar variation 382774 (VCV000382774.16), dbSNP rs779008957, ClinGen allele CA16606476.
Genomic context (GRCh38, chr12:120,994,320, plus strand): 5'-CCGGCGCAAAGAAGAAGCCTTCCGGCACAAGCTGGCCATGGACACGTACAGCGGGCCCCC[C>T]CCAGGGCCAGGCCCGGGACCTGCGCTGCCCGCTCACAGCTCCCCTGGCCTGCCTCCACCT-3'
Protein context (NP_000536.6, residues 280-300): KLAMDTYSGP[Pro290=]PGPGPGPALP

ClinVar aggregate classification (germline): Likely benign. Review status: reviewed by expert panel (3 of 4 stars). 5 submissions from 5 submitters: Likely benign (1). 4 of the submissions do not count toward it. Last evaluated 2025-08-29.

Conditions:
Maturity-onset diabetes of the young (MODY). Also called: Maturity onset diabetes mellitus in young. Identifiers: Orphanet 552, MedGen C0342276, MONDO:0018911, HP:0004904.
Monogenic diabetes. Identifiers: Orphanet 183625, MedGen C3888631, MONDO:0015967.

gnomAD v4.1: 17 of 1,610,226 alleles (0.0011%); highest among the groups gnomAD compares: South Asian, 0.0022%; no homozygotes.

Submissions (5):

ClinGen Monogenic Diabetes Variant Curation Expert Panel
Classification: Likely benign for Monogenic diabetes. Last evaluated: 2025-08-29. Review status: reviewed by expert panel. Criteria: ClinGen Diabetes ACMG Specifications HNF1A V3.0.0. Collection method: curation. Allele origin: germline. Inheritance: Autosomal dominant inheritance.
Comment: The c.870C>T variant in the HNF1 homeobox A gene, HNF1A, is a synonymous (silent) variant at codon 290 (p.Pro290=) of NM_000545.8. The computational splicing predictor SpliceAI gives a score of 0.01 for acceptor gain, suggesting that the variant has no impact on splicing and is not highly conserved with a phyloP100 score of -0.658, which is below the ClinGen MDEP cutoff of 2.0 (BP4, BP7). This variant has a Grpmax filtering allele frequency of 0.00000689 in gnomAD v4.1.0, which falls between ClinGen MDEP-established cutoffs for PM2_Supporting and BS1; thus, neither criterion will be applied. In summary, c.870C>T meets the criteria to be classified as likely benign for monogenic diabetes. ACMG/AMP criteria applied, as specified by the ClinGen MDEP (specification version 3.0.0, approved 6/30/2025): BP4, BP7.

Blueprint Genetics
Classification: Likely benign. Last evaluated: 2022-07-17. Review status: criteria provided, single submitter. Criteria: ACMG Guidelines, 2015. Collection method: clinical testing. Allele origin: germline. Not counted in ClinVar's aggregate classification.

Labcorp Genetics (formerly Invitae), Labcorp
Classification: Likely benign. Last evaluated: 2021-04-28. Review status: criteria provided, single submitter. Criteria: Invitae Variant Classification Sherloc (09022015). Collection method: clinical testing. Allele origin: germline. Not counted in ClinVar's aggregate classification.

GeneDx
Classification: Likely benign. Last evaluated: 2019-02-20. Review status: criteria provided, single submitter. Criteria: GeneDx Variant Classification Process June 2021. Collection method: clinical testing. Allele origin: germline. Affected: yes. Not counted in ClinVar's aggregate classification.
Comment: This variant is associated with the following publications: (PMID: 11058894, 19762333, 9075818)

Clinical Genomics, Uppaluri K&H Personalized Medicine Clinic
Classification: Benign for Maturity-onset diabetes of the young. Review status: criteria provided, single submitter. Criteria: K & H Uppaluri Personalized Medicine Clinic Variant Classification & Assertion Criteria_Updated V.1. Collection method: research. Allele origin: unknown. Inheritance: Autosomal dominant inheritance. Not counted in ClinVar's aggregate classification.
Comment: Mutations in HNF1A gene can predispose to MODY3. It is associated with both micro and macrovascular complications of diabetes, especially cardiovascular complications. Associated with glucosuria. May respond well to sulfonylureas. However, more evidence is required to confer the association of this particular variant rs779008957 with MODY3.

Literature cited by the submitters: PubMed 31517624 (cited by Clinical Genomics, Uppaluri K&H Personalized Medicine Clinic); PubMed 32395877 (cited by Clinical Genomics, Uppaluri K&H Personalized Medicine Clinic); PubMed 35328643 (cited by Clinical Genomics, Uppaluri K&H Personalized Medicine Clinic); PubMed 35673428 (cited by Clinical Genomics, Uppaluri K&H Personalized Medicine Clinic).